The following is an entry in ClinVar:

ClinVar aggregate classification (germline): Conflicting classifications of pathogenicity. Review status: criteria provided, conflicting classifications (1 of 4 stars). 9 submissions from 7 submitters: Uncertain significance (7); Likely benign (2). Last evaluated 2026-01-06.

Conditions:
DSP-related disorder. Also called: DSP-related condition; DSP-related disorders.
Arrhythmogenic cardiomyopathy with wooly hair and keratoderma. Also called: Carvajal syndrome; Dilated cardiomyopathy with woolly hair and keratoderma; PALMOPLANTAR KERATODERMA WITH LEFT VENTRICULAR CARDIOMYOPATHY AND WOOLLY HAIR; Arrhythmogenic cardiomyopathy with woolly hair and keratoderma. Identifiers: Orphanet 65282, MedGen C1854063, MONDO:0011581, OMIM 605676.
Arrhythmogenic right ventricular dysplasia 8 (ARVD8). Also called: Arrhythmogenic Right Ventricular Dysplasia/Cardiomyopathy 8; ARRHYTHMOGENIC RIGHT VENTRICULAR CARDIOMYOPATHY 8; ARRHYTHMOGENIC RIGHT VENTRICULAR DYSPLASIA, FAMILIAL, 8. Identifiers: MedGen C1843896, MONDO:0011831, OMIM 607450.
Lethal acantholytic epidermolysis bullosa (EBLA). Identifiers: Orphanet 158687, MedGen C1864826, MONDO:0012323, OMIM 609638.
Cardiomyopathy (CMYO). Also called: Cardiomyopathies. Identifiers: Orphanet 167848, MedGen C0878544, MONDO:0004994, HP:0001638. Inheritance: Various modes of inheritance.
Woolly hair-skin fragility syndrome (WHSF). Identifiers: Orphanet 293165, MedGen C1843292, MONDO:0957307, OMIM 620415.

Allele frequency attached by ClinVar (database versions not stated): gnomAD below 0.00001 and 0.00001; TOPMed below 0.00001; gnomAD exomes 0.00004 and 0.00006; ExAC 0.00005.

Submissions (9):

PreventionGenetics, part of Exact Sciences
Classification: Uncertain significance for DSP-related condition. Last evaluated: 2026-01-06. Review status: criteria provided, single submitter. Criteria: ACMG Guidelines, 2015. Collection method: clinical testing. Allele origin: germline.
Comment: The DSP c.7817G>A variant is predicted to result in the amino acid substitution p.Ser2606Asn. To our knowledge, this variant has not been reported in the literature in individuals with DSP-related disorders. This variant is reported in 0.033% of alleles in individuals of South Asian descent in gnomAD. At this time, the clinical significance of this variant is uncertain due to the absence of conclusive functional and genetic evidence.

Labcorp Genetics (formerly Invitae), Labcorp
Classification: Likely benign for Arrhythmogenic cardiomyopathy with wooly hair and keratoderma; Arrhythmogenic right ventricular dysplasia 8. Last evaluated: 2025-08-18. Review status: criteria provided, single submitter. Criteria: Invitae Variant Classification Sherloc (09022015). Collection method: clinical testing. Allele origin: germline.

Color Diagnostics, LLC DBA Color Health
Classification: Likely benign for Cardiomyopathy. Last evaluated: 2024-04-09. Review status: criteria provided, single submitter. Criteria: ACMG Guidelines, 2015. Collection method: clinical testing. Allele origin: germline.

All of Us Research Program, National Institutes of Health
Classification: Uncertain significance for Arrhythmogenic cardiomyopathy with wooly hair and keratoderma. Last evaluated: 2024-01-11. Review status: criteria provided, single submitter. Criteria: ACMG Guidelines, 2015. Collection method: clinical testing. Allele origin: germline. Inheritance: Autosomal dominant inheritance. Observed: 5 variant alleles, 5 heterozygotes.
Comment: This missense variant replaces serine with asparagine at codon 2606 of the DSP protein. Computational prediction suggests that this variant may not impact protein structure and function (internally defined REVEL score threshold <= 0.5, PMID: 27666373). To our knowledge, functional studies have not been reported for this variant. This variant has not been reported in individuals affected with cardiovascular disorders in the literature. This variant has been identified in 14/251340 chromosomes in the general population by the Genome Aggregation Database (gnomAD). The available evidence is insufficient to determine the role of this variant in disease conclusively. Therefore, this variant is classified as a Variant of Uncertain Significance.

This study involves interpretation of variants in research participants for the purpose of population health screening. Participant phenotype was not available at the time of variant classification. Additional details can be found in publication PMID: 35346344, PMCID: PMC8962531

Illumina Laboratory Services, Illumina
Classification: Uncertain significance for Arrhythmogenic cardiomyopathy with wooly hair and keratoderma. Last evaluated: 2017-04-27. Review status: criteria provided, single submitter. Criteria: ICSL Variant Classification Criteria 13 December 2019. Collection method: clinical testing. Allele origin: germline.

Illumina Laboratory Services, Illumina
Classification: Uncertain significance for Lethal acantholytic epidermolysis bullosa. Last evaluated: 2017-04-27. Review status: criteria provided, single submitter. Criteria: ICSL Variant Classification Criteria 13 December 2019. Collection method: clinical testing. Allele origin: germline.

Illumina Laboratory Services, Illumina
Classification: Uncertain significance for Arrhythmogenic right ventricular dysplasia 8. Last evaluated: 2017-04-27. Review status: criteria provided, single submitter. Criteria: ICSL Variant Classification Criteria 13 December 2019. Collection method: clinical testing. Allele origin: germline.

GeneDx
Classification: Uncertain significance. Last evaluated: 2016-02-24. Review status: criteria provided, single submitter. Criteria: GeneDx Variant Classification (06012015). Collection method: clinical testing. Allele origin: germline. Affected: yes.
Comment: The S2606N variant in the DSP gene has not been reported previously as a pathogenic variant, nor as a benign variant, to our knowledge. The S2606N variant was not observed in approximately 6,500 individuals of European and African American ancestry in the NHLBI Exome Sequencing Project, indicating it is not a common benign variant in these populations. The S2606N variant is a conservative amino acid substitution, which is not likely to impact secondary protein structure as these residues share similar properties. This substitution occurs at a position that is conserved in mammals. In silico analysis is inconsistent in its predictions as to whether or not the variant is damaging to the protein structure/function. We interpret S2606N as a variant of uncertain significance.

Biesecker Lab/Clinical Genomics Section, National Institutes of Health
Classification: Uncertain significance. Last evaluated: 2013-06-24. Review status: criteria provided, single submitter. Criteria: Ng et al. (Circ Cardiovasc Genet. 2013). Collection method: research. Allele origin: unknown. Observed: 1 variant allele. Study: ClinSeq.
Comment: The study set was not selected for affection status in relation to any cancer. Pathogenicity categories were based on literature curation. See Pubmed ID:23861362 for details.

Medical sequencing

NM_004415.4(DSP):c.7817G>A (p.Ser2606Asn)

Gene: DSP (desmoplakin; plus strand). Cytogenetic location: 6p24.3.
Variant type: single nucleotide variant.
Coding change: c.7817G>A on transcript NM_004415.4 (MANE Select); coding-DNA position 7817, G replaced by A.
Protein change: p.Ser2606Asn; replaces serine 2606 with asparagine.
Molecular consequence: missense variant.
Genome position (GRCh38, 1-based): chr6:7,585,079, G>A. VCF-style: chr6-7585079-G-A. GRCh37 (hg19) VCF-style: chr6-7585312-G-A.
Other names: c.6020G>A, p.Ser2007Asn (NM_001008844.3); c.6488G>A, p.Ser2163Asn (NM_001319034.2); c.7817G>A (LRG_423t1, NM_004415.3); short protein forms S2606N, S2007N, S2163N.
Identifiers: ClinVar variation 191643 (VCV000191643.19), dbSNP rs199597935, ClinGen allele CA007281.